The following is an entry in ClinVar:

ClinVar aggregate classification (germline): Uncertain significance (1 of 4 stars; one submission).

Conditions:
Cardiovascular phenotype. Identifiers: MedGen CN230736.

Submission:

Ambry Genetics
Classification: Uncertain significance for Cardiovascular phenotype. Last evaluated: 2021-12-09. Review status: criteria provided, single submitter. Criteria: Ambry Variant Classification Scheme 2023. Collection method: clinical testing. Allele origin: germline.
Comment: The c.2515_2532del18 variant (also known as p.S839_G844del) is located in coding exon 17 of the TRPM4 gene. This variant results from an in-frame AGCCTCGCCAGCGGGGGC deletion at nucleotide positions 2515 to 2532. This results in the in-frame deletion of 6 amino acid residues at codons 839 through 844. This amino acid region is not well conserved in available vertebrate species. In addition, this alteration is predicted to be neutral by in silico analysis (Choi Y et al. PLoS ONE. 2012; 7(10):e46688).Since supporting evidence is limited at this time, the clinical significance of this alteration remains unclear.

NM_017636.4(TRPM4):c.2515_2532del (p.Ser839_Gly844del)

Gene: TRPM4 (transient receptor potential cation channel subfamily M member 4; plus strand). Cytogenetic location: 19q13.33.
Variant type: Deletion.
Coding change: c.2515_2532del on transcript NM_017636.4 (MANE Select); coding-DNA positions 2515 to 2532, 18 bases deleted (AGCCTCGCCAGCGGGGGC).
Protein change: p.Ser839_Gly844del.
Molecular consequence: inframe deletion. On other transcripts: intron variant (1).
Genome position (GRCh38, 1-based): chr19:49,196,744-49,196,761, AGCCTCGCCAGCGGGGGC deleted; deleting any 18 consecutive bases within chr19:49,196,736-49,196,761 gives the same sequence; the c. name uses the placement nearest the transcript's 3' end. VCF-style (leftmost placement, unchanged base first): chr19-49196735-GGCGGGGGCAGCCTCGCCA-G. GRCh37 (hg19) VCF-style: chr19-49699992-GGCGGGGGCAGCCTCGCCA-G.
Other names: c.2170_2187del, p.Ser724_Gly729del (NM_001321281.2); c.907_924del, p.Ser303_Gly308del (NM_001321282.2); c.1993_2010del, p.Ser665_Gly670del (NM_001321283.2); c.1453_1470del, p.Ser485_Gly490del (NM_001321285.2); c.2211-3556_2211-3539del (NM_001195227.2).
Identifiers: ClinVar variation 1792453 (VCV001792453.2), dbSNP rs777788926, ClinGen allele CA633890834.